The following is an entry in ClinVar:

ClinVar aggregate classification (germline): Uncertain significance (1 of 4 stars; one submission).

Conditions:
Alstrom syndrome (ALMS). Identifiers: Orphanet 64, MedGen C0268425, MONDO:0008763, OMIM 203800.

Submission:

Labcorp Genetics (formerly Invitae), Labcorp
Classification: Uncertain significance for Alstrom syndrome. Last evaluated: 2021-09-16. Review status: criteria provided, single submitter. Criteria: Invitae Variant Classification Sherloc (09022015). Collection method: clinical testing. Allele origin: germline.
Comment: This sequence change replaces lysine with asparagine at codon 2676 of the ALMS1 protein (p.Lys2676Asn). The lysine residue is moderately conserved and there is a moderate physicochemical difference between lysine and asparagine. This variant is not present in population databases (ExAC no frequency). This variant has not been reported in the literature in individuals with ALMS1-related conditions. Experimental studies and prediction algorithms are not available or were not evaluated, and the functional significance of this variant is currently unknown. In summary, the available evidence is currently insufficient to determine the role of this variant in disease. Therefore, it has been classified as a Variant of Uncertain Significance.

NM_001378454.1(ALMS1):c.8025G>C (p.Lys2675Asn)

Gene: ALMS1 (ALMS1 centrosome and basal body associated protein; plus strand). Cytogenetic location: 2p13.1.
Variant type: single nucleotide variant.
Coding change: c.8025G>C on transcript NM_001378454.1 (MANE Select); coding-DNA position 8025, G replaced by C.
Protein change: p.Lys2675Asn; replaces lysine 2675 with asparagine.
Molecular consequence: missense variant.
Genome position (GRCh38, 1-based): chr2:73,489,984, G>C. VCF-style: chr2-73489984-G-C. GRCh37 (hg19) VCF-style: chr2-73717111-G-C.
Other names: c.8028G>C, p.Lys2676Asn (NM_015120.4); short protein forms K2675N, K2676N.
Identifiers: ClinVar variation 1514181 (VCV001514181.3), dbSNP rs2103890339, ClinGen allele CA347266984.